The following is an entry in ClinVar:

ClinVar aggregate classification (germline): Pathogenic/Likely pathogenic. Review status: criteria provided, multiple submitters, no conflicts (2 of 4 stars). 3 submissions from 3 submitters: Pathogenic (2); Likely pathogenic (1). Last evaluated 2024-06-13.

Conditions:
Charlevoix-Saguenay spastic ataxia (SACS). Also called: SPASTIC ATAXIA 6, AUTOSOMAL RECESSIVE; AUTOSOMAL RECESSIVE SPASTIC ATAXIA OF CHARLEVOIX-SAGUENAY; Spastic ataxia of Charlevoix-Saguenay. Identifiers: Orphanet 98, MedGen C1849140, MONDO:0010041, OMIM 270550.
Spastic paraplegia. Identifiers: MedGen C0037772, HP:0001258.

Allele frequency attached by ClinVar (database versions not stated): TOPMed below 0.00001; gnomAD 0.00001.

Submissions (3):

Athena Diagnostics
Classification: Pathogenic. Last evaluated: 2024-06-13. Review status: criteria provided, single submitter. Criteria: Athena Diagnostics Criteria. Collection method: clinical testing. Allele origin: unknown.
Comment: This variant is expected to result in the loss of a functional protein. This variant has not been reported in large, multi-ethnic general populations. This variant has been identified in at least one individual tested at Athena Diagnostics with clinical features associated with this gene.

Baylor Genetics
Classification: Likely pathogenic for Charlevoix-Saguenay spastic ataxia. Last evaluated: 2023-12-29. Review status: criteria provided, single submitter. Criteria: ACMG Guidelines, 2015. Collection method: clinical testing. Allele origin: unknown.

Labcorp Genetics (formerly Invitae), Labcorp
Classification: Pathogenic for Spastic paraplegia. Last evaluated: 2021-03-18. Review status: criteria provided, single submitter. Criteria: Invitae Variant Classification Sherloc (09022015). Collection method: clinical testing. Allele origin: germline.
Comment: This sequence change creates a premature translational stop signal (p.Arg624Glyfs*3) in the SACS gene. It is expected to result in an absent or disrupted protein product. For these reasons, this variant has been classified as Pathogenic. Loss-of-function variants in SACS are known to be pathogenic (PMID: 18465152, 20876471). This variant has not been reported in the literature in individuals with SACS-related disease. This variant is not present in population databases (ExAC no frequency).

Literature cited by the submitters: PubMed 18465152 (cited by Labcorp Genetics (formerly Invitae), Labcorp); PubMed 20876471 (cited by Labcorp Genetics (formerly Invitae), Labcorp).

NM_014363.6(SACS):c.1869del (p.Arg624fs)

Gene: SACS (sacsin molecular chaperone; minus strand). Cytogenetic location: 13q12.12.
Variant type: Deletion.
Coding change: c.1869del on transcript NM_014363.6 (MANE Select); coding-DNA position 1869, one base deleted (G; older notation c.1869delG).
Protein change: p.Arg624fs; shifts the reading frame from arginine 624.
Molecular consequence: frameshift variant.
Genome position (GRCh38, 1-based): chr13:23,354,743, C deleted on the plus strand (G on the coding strand, the reverse complement: SACS is on the minus strand). VCF-style (leftmost placement, unchanged base first): chr13-23354742-TC-T. GRCh37 (hg19) VCF-style: chr13-23928881-TC-T.
Other names: c.1428del, p.Arg477fs (NM_001278055.2); c.1869del (NM_014363.4); short protein forms R624fs, R477fs.
Identifiers: ClinVar variation 580619 (VCV000580619.9), dbSNP rs1006060877, ClinGen allele CA246677126.